The following is an entry in ClinVar:

NM_001134407.3(GRIN2A):c.134A>G (p.Asp45Gly)

Gene: GRIN2A (glutamate ionotropic receptor NMDA type subunit 2A; minus strand). Cytogenetic location: 16p13.2.
Variant type: single nucleotide variant.
Coding change: c.134A>G on transcript NM_001134407.3 (MANE Select); coding-DNA position 134, A replaced by G.
Protein change: p.Asp45Gly; replaces aspartic acid 45 with glycine.
Molecular consequence: missense variant.
Genome position (GRCh38, 1-based): chr16:10,180,278, T>C on the plus strand (A>G on the coding strand, the complement: GRIN2A is on the minus strand). VCF-style: chr16-10180278-T-C. GRCh37 (hg19) VCF-style: chr16-10274135-T-C.
Other names: c.134A>G, p.Asp45Gly (NM_000833.5, NM_001134408.2); short protein forms D45G.
Identifiers: ClinVar variation 4737291 (VCV004737291.1).
Genomic context (GRCh38, chr16:10,180,278, plus strand): 5'-AGGGGCAGCCCCGCCGCCTGCTCGGGGCCCCACAGTGTTCGAAGTTCGCGCTCTGTCACG[T>C]CGTGGCTGTGACCCAGCATCACCGCAATATTTAGCGCGGGGGGACCCTTCTCCGCCGCCG-3'
Protein context (NP_001127879.1, residues 35-55): NIAVMLGHSH[Asp45Gly]VTERELRTLW

ClinVar aggregate classification (germline): Uncertain significance (1 of 4 stars; one submission).

Conditions:
Landau-Kleffner syndrome (FESD). Also called: EPILEPSY, FOCAL, WITH SPEECH DISORDER AND WITH OR WITHOUT MENTAL RETARDATION; APHASIA, ACQUIRED, WITH EPILEPSY. Identifiers: Orphanet 1945, Orphanet 725, Orphanet 98818, MedGen C0282512, MONDO:0009509, OMIM 245570.

gnomAD v4.1: 6 of 1,613,388 alleles (0.00037%); highest among the groups gnomAD compares: Non-Finnish European, 0.00051%; no homozygotes.

Submission:

Labcorp Genetics (formerly Invitae), Labcorp
Classification: Uncertain significance for Landau-Kleffner syndrome. Last evaluated: 2025-02-13. Review status: criteria provided, single submitter. Criteria: Invitae Variant Classification Sherloc (09022015). Collection method: clinical testing. Allele origin: germline.
Comment: This sequence change replaces aspartic acid, which is acidic and polar, with glycine, which is neutral and non-polar, at codon 45 of the GRIN2A protein (p.Asp45Gly). This variant is not present in population databases (gnomAD no frequency). This variant has not been reported in the literature in individuals affected with GRIN2A-related conditions. Invitae Evidence Modeling of protein sequence and biophysical properties (such as structural, functional, and spatial information, amino acid conservation, physicochemical variation, residue mobility, and thermodynamic stability) indicates that this missense variant is not expected to disrupt GRIN2A protein function with a negative predictive value of 95%. In summary, the available evidence is currently insufficient to determine the role of this variant in disease. Therefore, it has been classified as a Variant of Uncertain Significance.